The following is an entry in ClinVar:

NM_001395490.1(TRERF1):c.1568A>G (p.Asn523Ser)

Gene: TRERF1 (transcriptional regulating factor 1; minus strand). Cytogenetic location: 6p21.1.
Variant type: single nucleotide variant.
Coding change: c.1568A>G on transcript NM_001395490.1 (MANE Select); coding-DNA position 1568, A replaced by G.
Protein change: p.Asn523Ser; replaces asparagine 523 with serine.
Molecular consequence: missense variant.
Genome position (GRCh38, 1-based): chr6:42,264,771, T>C on the plus strand (A>G on the coding strand, the complement: TRERF1 is on the minus strand). VCF-style: chr6-42264771-T-C. GRCh37 (hg19) VCF-style: chr6-42232509-T-C.
Other names: c.1568A>G, p.Asn523Ser (NM_001297573.2, NM_001391983.1, NM_001391984.1 and 1 more transcripts); short protein forms N523S.
Identifiers: ClinVar variation 774181 (VCV000774181.26), dbSNP rs61758087, ClinGen allele CA3806576.
Genomic context (GRCh38, chr6:42,264,771, plus strand): 5'-AGGTTGGGGGAGGCCCTCATTCCCCCGTGGGACCGCATGTGGCCATTCAGGGCAGGCAGG[T>C]TCTTGAACTCCTTCAGGCAGATGGAGCATGTCAGCTTGTTCTTGGCATCAAACTGCTCCC-3'
Protein context (NP_001382419.1, residues 513-533): TCSICLKEFK[Asn523Ser]LPALNGHMRS

ClinVar aggregate classification (germline): Benign. Review status: criteria provided, multiple submitters, no conflicts (2 of 4 stars). 2 submissions from 2 submitters: Benign (2). Last evaluated 2025-07-01.

Allele frequency attached by ClinVar (database versions not stated): 1000 Genomes Project 0.00519; 1000 Genomes Project 30x 0.00547; gnomAD 0.00906 and 0.00917; gnomAD exomes 0.00953 and 0.01167; TOPMed 0.00959; ExAC 0.00974; ESP Exome Variant Server 0.01030.
gnomAD v4.1: 18,533 of 1,614,196 alleles (1.1%); highest among the groups gnomAD compares: Middle Eastern, 3.2%; 132 homozygotes.

Submissions (2):

CeGaT Center for Human Genetics Tuebingen
Classification: Benign. Last evaluated: 2025-07-01. Review status: criteria provided, single submitter. Criteria: CeGaT Center For Human Genetics Tuebingen Variant Classification Criteria Version 2. Collection method: clinical testing. Allele origin: germline. Affected: yes. Observed: 2 variant alleles.
Comment: TRERF1: BP4, BS1, BS2

Labcorp Genetics (formerly Invitae), Labcorp
Classification: Benign. Last evaluated: 2018-05-24. Review status: criteria provided, single submitter. Criteria: Invitae Variant Classification Sherloc (09022015). Collection method: clinical testing. Allele origin: germline.